The following is an entry in ClinVar:

ClinVar aggregate classification (germline): Uncertain significance (1 of 4 stars; one submission).

Conditions:
Inborn genetic diseases. Identifiers: MedGen C0950123, MeSH D030342.

Submission:

Ambry Genetics
Classification: Uncertain significance for Inborn genetic diseases. Last evaluated: 2026-03-21. Review status: criteria provided, single submitter. Criteria: Ambry Variant Classification Scheme 2023. Collection method: clinical testing. Allele origin: germline.
Comment: The p.F601L variant (also known as c.1801T>C), located in coding exon 12 of the ERCC6L2 gene, results from a T to C substitution at nucleotide position 1801. The phenylalanine at codon 601 is replaced by leucine, an amino acid with highly similar properties. This amino acid position is conserved. In addition, this alteration is predicted to be deleterious by in silico analysis. Based on the available evidence, the clinical significance of this variant remains unclear.

NM_020207.7(ERCC6L2):c.1801T>C (p.Phe601Leu)

Gene: ERCC6L2 (ERCC excision repair 6 like 2; plus strand). Cytogenetic location: 9q22.32.
Variant type: single nucleotide variant.
Coding change: c.1801T>C on transcript NM_020207.7 (MANE Select); coding-DNA position 1801, T replaced by C.
Protein change: p.Phe601Leu; replaces phenylalanine 601 with leucine.
Molecular consequence: missense variant. On other transcripts: non-coding transcript variant (1).
Genome position (GRCh38, 1-based): chr9:95,941,503, T>C. VCF-style: chr9-95941503-T-C. GRCh37 (hg19) VCF-style: chr9-98703785-T-C.
Other names: c.1801T>C, p.Phe601Leu (NM_001010895.4, NM_001375291.1, NM_001375292.1 and 2 more transcripts); short protein forms F601L.
Identifiers: ClinVar variation 4870572 (VCV004870572.1).